The following is an entry in ClinVar:

NM_001126108.2(SLC12A3):c.2454del (p.Thr819fs)

Gene: SLC12A3 (solute carrier family 12 member 3; plus strand). Cytogenetic location: 16q13.
Variant type: Deletion.
Coding change: c.2454del on transcript NM_001126108.2 (MANE Select); coding-DNA position 2454, one base deleted (C; older notation c.2454delC).
Protein change: p.Thr819fs; shifts the reading frame from threonine 819.
Molecular consequence: frameshift variant.
Genome position (GRCh38, 1-based): chr16:56,892,987, C deleted; the last of 2 consecutive C bases (chr16:56,892,986-56,892,987); deleting either gives the same sequence. VCF-style (leftmost placement, unchanged base first): chr16-56892985-GC-G. GRCh37 (hg19) VCF-style: chr16-56926897-GC-G.
Other names: c.2481del, p.Thr828fs (NM_000339.3); c.2478del, p.Thr827fs (NM_001126107.2); c.2451del, p.Thr818fs (NM_001410896.1); short protein forms T818fs, T819fs, T827fs, T828fs.
Identifiers: ClinVar variation 4818206 (VCV004818206.1).

ClinVar aggregate classification (germline): Likely pathogenic (1 of 4 stars; one submission).

Conditions:
Familial hypokalemia-hypomagnesemia (GTLMNS). Also called: POTASSIUM AND MAGNESIUM DEPLETION; HYPOMAGNESEMIA-HYPOKALEMIA, PRIMARY RENOTUBULAR, WITH HYPOCALCIURIA; gitelman syndrome. Identifiers: Orphanet 358, MedGen C0268450, MONDO:0009904, OMIM 263800.

Submission:

Natera, Inc.
Classification: Likely pathogenic for Gitelman syndrome. Last evaluated: 2024-11-18. Review status: criteria provided, single submitter. Criteria: Natera Variant Classification Schema (03/2026). Collection method: clinical testing. Allele origin: germline.
Comment: The c.2481del variant in SLC12A3 is a frameshift variant predicted to shift the reading frame beginning at codon 828 and leads to a stop codon 13 codons downstream. This variant is expected to result in nonsense mediated decay, truncation, or a dysfunctional protein product. This variant is rare in the general population with a frequency below the threshold expected for the associated phenotype(s). Given the available evidence, this variant is classified as Likely Pathogenic.